The following is an entry in ClinVar:

NM_000077.5(CDKN2A):c.12G>A (p.Ala4=)

Genes: CDKN2A (cyclin dependent kinase inhibitor 2A; minus strand), LOC130001603 (ATAC-STARR-seq lymphoblastoid silent region 19811; plus strand). Cytogenetic location: 9p21.3.
Variant type: single nucleotide variant.
Coding change: c.12G>A on transcript NM_000077.5; coding-DNA position 12, G replaced by A.
Protein change: p.Ala4=; no amino-acid change (alanine 4 retained).
Molecular consequence: synonymous variant (on NM_000077.6). On other transcripts: intron variant (2).
Genome position (GRCh38, 1-based): chr9:21,974,816, C>T on the plus strand (G>A on the coding strand, the complement: CDKN2A is on the minus strand). VCF-style: chr9-21974816-C-T. GRCh37 (hg19) VCF-style: chr9-21974815-C-T.
Other names: c.12G>A, p.Ala4= (NM_000077.6, NM_001195132.2, NM_058197.5); c.-3-3608G>A (NM_001363763.2); c.194-3608G>A (NM_058195.4).
Identifiers: ClinVar variation 1101964 (VCV001101964.11), dbSNP rs1434483085, ClinGen allele CA464100213.

ClinVar aggregate classification (germline): Benign/Likely benign. Review status: criteria provided, multiple submitters, no conflicts (2 of 4 stars). 3 submissions from 3 submitters: Benign (1); Likely benign (2). Last evaluated 2025-08-13.

Conditions:
Familial melanoma. Also called: Hereditary melanoma; Hereditary cutaneous melanoma. Identifiers: Orphanet 618, MedGen C1512419, MONDO:0018961.
Melanoma-pancreatic cancer syndrome. Identifiers: Orphanet 404560, MedGen C1838547, MONDO:0011713, OMIM 606719. Disease mechanism: loss of function.
Hereditary cancer-predisposing syndrome. Also called: Neoplastic Syndromes, Hereditary; Hereditary Cancer Syndrome; Hereditary neoplastic syndrome; Tumor predisposition. Identifiers: Orphanet 140162, MedGen C0027672, MeSH D009386, MONDO:0015356.

Allele frequency attached by ClinVar (database versions not stated): gnomAD 0.00001; TOPMed 0.00001.

Submissions (3):

Myriad Genetics, Inc.
Classification: Benign for Melanoma-pancreatic cancer syndrome. Last evaluated: 2025-08-13. Review status: criteria provided, single submitter. Criteria: Myriad Autosomal Dominant, Autosomal Recessive and X-Linked Classification Criteria (2023). Collection method: clinical testing. Allele origin: unknown.
Comment: This variant is considered benign. This variant is a silent/synonymous amino acid change and it is not expected to impact splicing.

Labcorp Genetics (formerly Invitae), Labcorp
Classification: Likely benign for Familial melanoma. Last evaluated: 2025-06-15. Review status: criteria provided, single submitter. Criteria: Invitae Variant Classification Sherloc (09022015). Collection method: clinical testing. Allele origin: germline.

Ambry Genetics
Classification: Likely benign for Hereditary cancer-predisposing syndrome. Last evaluated: 2024-06-27. Review status: criteria provided, single submitter. Criteria: Ambry Variant Classification Scheme 2023. Collection method: clinical testing. Allele origin: germline.